The following is an entry in ClinVar:

NM_001018115.3(FANCD2):c.3371G>C (p.Ser1124Thr)

Genes: FANCD2 (FA complementation group D2; plus strand), FANCD2OS (FANCD2 opposite strand; minus strand). Cytogenetic location: 3p25.3.
Variant type: single nucleotide variant.
Coding change: c.3371G>C on transcript NM_001018115.3 (MANE Select); coding-DNA position 3371, G replaced by C.
Protein change: p.Ser1124Thr; replaces serine 1124 with threonine.
Molecular consequence: missense variant. On other transcripts: intron variant (1).
Genome position (GRCh38, 1-based): chr3:10,087,169, G>C. VCF-style: chr3-10087169-G-C. GRCh37 (hg19) VCF-style: chr3-10128853-G-C.
Other names: c.3371G>C, p.Ser1124Thr (NM_001319984.2, NM_001374254.1, NM_033084.6); c.3260G>C, p.Ser1087Thr (NM_001374253.1); c.*44-5638C>G (NM_173472.2); short protein forms S1087T, S1124T.
Identifiers: ClinVar variation 2740204 (VCV002740204.3), dbSNP rs960135908, ClinGen allele CA70029560.

ClinVar aggregate classification (germline): Uncertain significance (1 of 4 stars; one submission).

Conditions:
Fanconi anemia (FA). Also called: Fanconi's anemia. Identifiers: Orphanet 84, MedGen C0015625, MeSH D005199, MONDO:0019391.

Allele frequency attached by ClinVar (database versions not stated): TOPMed below 0.00001; gnomAD exomes below 0.00001.
gnomAD v4.1: 2 of 1,613,710 alleles (0.00012%); highest among the groups gnomAD compares: Non-Finnish European, 0.00017%; no homozygotes.

Submission:

Labcorp Genetics (formerly Invitae), Labcorp
Classification: Uncertain significance for Fanconi anemia. Last evaluated: 2023-10-04. Review status: criteria provided, single submitter. Criteria: Invitae Variant Classification Sherloc (09022015). Collection method: clinical testing. Allele origin: germline.
Comment: This sequence change replaces serine, which is neutral and polar, with threonine, which is neutral and polar, at codon 1124 of the FANCD2 protein (p.Ser1124Thr). This variant is not present in population databases (gnomAD no frequency). This variant has not been reported in the literature in individuals affected with FANCD2-related conditions. Advanced modeling of protein sequence and biophysical properties (such as structural, functional, and spatial information, amino acid conservation, physicochemical variation, residue mobility, and thermodynamic stability) performed at Invitae indicates that this missense variant is not expected to disrupt FANCD2 protein function. In summary, the available evidence is currently insufficient to determine the role of this variant in disease. Therefore, it has been classified as a Variant of Uncertain Significance.